The following is an entry in ClinVar:

NM_001267550.2(TTN):c.37873+4T>G

Gene: TTN (titin; minus strand). Cytogenetic location: 2q31.2.
Variant type: single nucleotide variant.
Coding change: c.37873+4T>G on transcript NM_001267550.2 (MANE Select); 4 bases into the intron after coding-DNA position 37873, T replaced by G.
Molecular consequence: intron variant.
Genome position (GRCh38, 1-based): chr2:178,657,877, A>C on the plus strand (T>G on the coding strand, the complement: TTN is on the minus strand). VCF-style: chr2-178657877-A-C. GRCh37 (hg19) VCF-style: chr2-179522604-A-C.
Other names: c.13283-15560T>G (NM_003319.4); c.13859-15560T>G (NM_133437.4); c.13658-15560T>G (NM_133432.3); c.31741+1128T>G (NM_133378.4); c.34522+1128T>G (NM_001256850.1).
Identifiers: ClinVar variation 3239175 (VCV003239175.20), dbSNP rs1396948268.

ClinVar aggregate classification (germline): Conflicting classifications of pathogenicity. Review status: criteria provided, conflicting classifications (1 of 4 stars). 2 submissions from 2 submitters: Uncertain significance (1); Likely benign (1). Last evaluated 2024-07-18.

Submissions (2):

Blueprint Genetics
Classification: Likely benign. Last evaluated: 2024-07-18. Review status: criteria provided, single submitter. Criteria: ACMG Guidelines, 2015. Collection method: clinical testing. Allele origin: germline.

CeGaT Center for Human Genetics Tuebingen
Classification: Uncertain significance. Last evaluated: 2024-07-01. Review status: criteria provided, single submitter. Criteria: CeGaT Center For Human Genetics Tuebingen Variant Classification Criteria Version 2. Collection method: clinical testing. Allele origin: germline. Affected: yes. Observed: 3 variant alleles.
Comment: TTN: PM2, BP4